The following is an entry in ClinVar:

ClinVar aggregate classification (germline): Pathogenic (1 of 4 stars; one submission).

Submission:

Labcorp Genetics (formerly Invitae), Labcorp
Classification: Pathogenic. Last evaluated: 2021-07-29. Review status: criteria provided, single submitter. Criteria: Invitae Variant Classification Sherloc (09022015). Collection method: clinical testing. Allele origin: germline.
Comment: This variant disrupts a region of the HJV protein in which other variant(s) (p.Gly336*) have been determined to be pathogenic (PMID: 30195625; Invitae). This suggests that this is a clinically significant region of the protein, and that variants that disrupt it are likely to be disease-causing. For these reasons, this variant has been classified as Pathogenic. This variant has not been reported in the literature in individuals affected with HJV-related conditions. This variant is not present in population databases (ExAC no frequency). This sequence change creates a premature translational stop signal (p.Ala307Profs*32) in the HJV gene. While this is not anticipated to result in nonsense mediated decay, it is expected to disrupt the last 120 amino acid(s) of the HJV protein.

Literature cited by the submitters: PubMed 30195625.

NM_213653.4(HJV):c.919del (p.Ala307fs)

Gene: HJV (hemojuvelin BMP co-receptor; minus strand). Cytogenetic location: 1q21.1.
Variant type: Deletion.
Coding change: c.919del on transcript NM_213653.4 (MANE Select); coding-DNA position 919, one base deleted (G; older notation c.919delG).
Protein change: p.Ala307fs; shifts the reading frame from alanine 307.
Molecular consequence: frameshift variant.
Genome position (GRCh38, 1-based): chr1:146,018,439, C deleted on the plus strand (G on the coding strand, the reverse complement: HJV is on the minus strand); the first of 2 consecutive C bases (chr1:146,018,439-146,018,440); deleting either gives the same sequence. VCF-style (leftmost placement, unchanged base first): chr1-146018438-GC-G. GRCh37 (hg19) VCF-style: chr1-145416572-TG-T.
Other names: c.241del, p.Ala81fs (NM_001316767.2, NM_202004.4, NM_213652.4); c.919del, p.Ala307fs (NM_001379352.1); c.580del, p.Ala194fs (NM_145277.5); short protein forms A194fs, A81fs, A307fs.
Identifiers: ClinVar variation 1390193 (VCV001390193.6), dbSNP rs2101982402, ClinGen allele CA2573131054.